The following is an entry in ClinVar:

ClinVar aggregate classification (germline): Likely pathogenic (1 of 4 stars; one submission).

Conditions:
GRN-related frontotemporal lobar degeneration with Tdp43 inclusions (FTD2). Also called: GRN Frontotemporal Dementia; DEMENTIA, HEREDITARY DYSPHASIC DISINHIBITION; FRONTOTEMPORAL LOBAR DEGENERATION WITH UBIQUITIN-POSITIVE INCLUSIONS; FTLD-TDP, GRN-RELATED; FRONTOTEMPORAL DEMENTIA WITH TDP43 INCLUSIONS, GRN-RELATED. Identifiers: Orphanet 100070, Orphanet 282, MedGen C1843792, MONDO:0011842, OMIM 607485. Disease mechanism: loss of function.

Submission:

Concord Molecular Medicine Laboratory, Concord Repatriation General Hospital
Classification: Likely pathogenic for GRN-related frontotemporal lobar degeneration with Tdp43 inclusions. Last evaluated: 2023-01-16. Review status: criteria provided, single submitter. Criteria: ACMG Guidelines, 2015. Collection method: clinical testing. Allele origin: germline. Inheritance: Autosomal dominant inheritance. Affected: yes.
Comment: MRI brain was consistent with frontotemporal dementia, and EMG was consistent with motor neuron disease. This insertion has not been observed in control population database (gnomAD). The insertion results in a premature stop codon, p.(Gly168Valfs*30) that is predicted to be subject to nonsense mediated decay. Haploinsufficiency of GRN is a well established mechanism of disease for autosomal dominant frontotemporal lobar degeneration with ubiquitin-positive inclusions (OMIM#607485). The current evidence allows a classification of likely pathogenic (ACMG criteria: PVS1, PM2_supporting).

NM_002087.4(GRN):c.502_503insT (p.Gly168fs)

Gene: GRN (granulin precursor; plus strand). Cytogenetic location: 17q21.31.
Variant type: Insertion.
Coding change: c.502_503insT on transcript NM_002087.4 (MANE Select); coding-DNA positions 502 to 503, T inserted.
Protein change: p.Gly168fs; shifts the reading frame from glycine 168.
Molecular consequence: frameshift variant.
Genome position: GRCh38 VCF-style: chr17-44350481-G-GT. GRCh37 (hg19) VCF-style: chr17-42427849-G-GT.
Other names: short protein forms G168fs.
Identifiers: ClinVar variation 1879840 (VCV001879840.1), dbSNP rs2510055635, ClinGen allele CA2580093887.